The following is an entry in ClinVar:

NM_000211.5(ITGB2):c.1757G>A (p.Arg586Gln)

Gene: ITGB2 (integrin subunit beta 2; minus strand). Cytogenetic location: 21q22.3.
Variant type: single nucleotide variant.
Coding change: c.1757G>A on transcript NM_000211.5 (MANE Select); coding-DNA position 1757, G replaced by A.
Protein change: p.Arg586Gln; replaces arginine 586 with glutamine.
Molecular consequence: missense variant.
Genome position (GRCh38, 1-based): chr21:44,889,396, C>T on the plus strand (G>A on the coding strand, the complement: ITGB2 is on the minus strand). VCF-style: chr21-44889396-C-T. GRCh37 (hg19) VCF-style: chr21-46309311-C-T.
Other names: c.1757G>A, p.Arg586Gln (NM_001127491.3); c.1550G>A, p.Arg517Gln (NM_001303238.2); c.1757G>A (NM_000211.3); short protein forms R517Q, R586Q.
Identifiers: ClinVar variation 651008 (VCV000651008.7), dbSNP rs921337956, ClinGen allele CA321893825.

ClinVar aggregate classification (germline): Uncertain significance. Review status: criteria provided, multiple submitters, no conflicts (2 of 4 stars). 2 submissions from 2 submitters: Uncertain significance (2). Last evaluated 2025-11-11.

Conditions:
Leukocyte adhesion deficiency 1 (LAD1). Also called: LEUKOCYTE ADHESION DEFICIENCY, TYPE I; LAD 1; Lymphocyte function-associated antigen 1 immunodeficiency; LFA 1 immunodeficiency. Identifiers: Orphanet 2968, Orphanet 99842, MedGen C0398738, MONDO:0007293, OMIM 116920.
Inborn genetic diseases. Identifiers: MedGen C0950123, MeSH D030342.

Allele frequency attached by ClinVar (database versions not stated): gnomAD 0.00001; TOPMed 0.00002.
gnomAD v4.1: 14 of 1,612,620 alleles (0.00087%); highest among the groups gnomAD compares: East Asian, 0.0045%; no homozygotes.

Submissions (2):

Ambry Genetics
Classification: Uncertain significance for Inborn genetic diseases. Last evaluated: 2025-11-11. Review status: criteria provided, single submitter. Criteria: Ambry Variant Classification Scheme 2023. Collection method: clinical testing. Allele origin: germline.

Labcorp Genetics (formerly Invitae), Labcorp
Classification: Uncertain significance for Leukocyte adhesion deficiency 1. Last evaluated: 2022-10-25. Review status: criteria provided, single submitter. Criteria: Invitae Variant Classification Sherloc (09022015). Collection method: clinical testing. Allele origin: germline.
Comment: This variant is present in population databases (no rsID available, gnomAD 0.06%). This sequence change replaces arginine, which is basic and polar, with glutamine, which is neutral and polar, at codon 586 of the ITGB2 protein (p.Arg586Gln). This variant has not been reported in the literature in individuals affected with ITGB2-related conditions. ClinVar contains an entry for this variant (Variation ID: 651008). Algorithms developed to predict the effect of missense changes on protein structure and function output the following: SIFT: "Tolerated"; PolyPhen-2: "Benign"; Align-GVGD: "Class C0". The glutamine amino acid residue is found in multiple mammalian species, which suggests that this missense change does not adversely affect protein function. In summary, the available evidence is currently insufficient to determine the role of this variant in disease. Therefore, it has been classified as a Variant of Uncertain Significance.